The following is an entry in ClinVar:

ClinVar aggregate classification (germline): Uncertain significance (1 of 4 stars; one submission).

Submission:

Labcorp Genetics (formerly Invitae), Labcorp
Classification: Uncertain significance. Last evaluated: 2022-03-14. Review status: criteria provided, single submitter. Criteria: Invitae Variant Classification Sherloc (09022015). Collection method: clinical testing. Allele origin: germline.
Comment: This variant is not present in population databases (gnomAD no frequency). This sequence change replaces aspartic acid, which is acidic and polar, with tyrosine, which is neutral and polar, at codon 290 of the CDHR1 protein (p.Asp290Tyr). This variant has not been reported in the literature in individuals affected with CDHR1-related conditions. In summary, the available evidence is currently insufficient to determine the role of this variant in disease. Therefore, it has been classified as a Variant of Uncertain Significance. Advanced modeling of protein sequence and biophysical properties (such as structural, functional, and spatial information, amino acid conservation, physicochemical variation, residue mobility, and thermodynamic stability) performed at Invitae indicates that this missense variant is not expected to disrupt CDHR1 protein function.

NM_033100.4(CDHR1):c.868G>T (p.Asp290Tyr)

Gene: CDHR1 (cadherin related family member 1; plus strand). Cytogenetic location: 10q23.1.
Variant type: single nucleotide variant.
Coding change: c.868G>T on transcript NM_033100.4 (MANE Select); coding-DNA position 868, G replaced by T.
Protein change: p.Asp290Tyr; replaces aspartic acid 290 with tyrosine.
Molecular consequence: missense variant.
Genome position (GRCh38, 1-based): chr10:84,205,832, G>T. VCF-style: chr10-84205832-G-T. GRCh37 (hg19) VCF-style: chr10-85965588-G-T.
Other names: c.868G>T, p.Asp290Tyr (NM_001171971.3); short protein forms D290Y.
Identifiers: ClinVar variation 2037815 (VCV002037815.4), dbSNP rs373576430, ClinGen allele CA377373705.